The following is an entry in ClinVar:

ClinVar aggregate classification (germline): Conflicting classifications of pathogenicity. Review status: criteria provided, conflicting classifications (1 of 4 stars). 2 submissions from 2 submitters: Uncertain significance (1); Likely benign (1). Last evaluated 2023-10-05.

Conditions:
Inborn genetic diseases. Identifiers: MedGen C0950123, MeSH D030342.
Ehlers-Danlos syndrome, dermatosparaxis type. Also called: Dermatosparaxis; Ehlers-Danlos syndrome, type VII, autosomal recessive; EDS VIIC. Identifiers: Orphanet 1901, MedGen C2700425, MONDO:0009161, OMIM 225410.

gnomAD v4.1: 3 of 1,613,780 alleles (0.00019%); highest among the groups gnomAD compares: Non-Finnish European, 0.00025%; no homozygotes.

Submissions (2):

Ambry Genetics
Classification: Likely benign for Inborn genetic diseases. Last evaluated: 2023-10-05. Review status: criteria provided, single submitter. Criteria: Ambry Variant Classification Scheme 2023. Collection method: clinical testing. Allele origin: germline.

Labcorp Genetics (formerly Invitae), Labcorp
Classification: Uncertain significance for Ehlers-Danlos syndrome, dermatosparaxis type. Last evaluated: 2022-07-05. Review status: criteria provided, single submitter. Criteria: Invitae Variant Classification Sherloc (09022015). Collection method: clinical testing. Allele origin: germline.
Comment: In summary, the available evidence is currently insufficient to determine the role of this variant in disease. Therefore, it has been classified as a Variant of Uncertain Significance. Algorithms developed to predict the effect of sequence changes on RNA splicing suggest that this variant may create or strengthen a splice site. Algorithms developed to predict the effect of missense changes on protein structure and function output the following: SIFT: "Tolerated"; PolyPhen-2: "Benign"; Align-GVGD: "Class C0". The valine amino acid residue is found in multiple mammalian species, which suggests that this missense change does not adversely affect protein function. ClinVar contains an entry for this variant (Variation ID: 1416415). This variant has not been reported in the literature in individuals affected with ADAMTS2-related conditions. This variant is not present in population databases (gnomAD no frequency). This sequence change replaces alanine, which is neutral and non-polar, with valine, which is neutral and non-polar, at codon 257 of the ADAMTS2 protein (p.Ala257Val).

NM_014244.5(ADAMTS2):c.770C>T (p.Ala257Val)

Gene: ADAMTS2 (ADAM metallopeptidase with thrombospondin type 1 motif 2; minus strand). Cytogenetic location: 5q35.3.
Variant type: single nucleotide variant.
Coding change: c.770C>T on transcript NM_014244.5 (MANE Select); coding-DNA position 770, C replaced by T.
Protein change: p.Ala257Val; replaces alanine 257 with valine.
Molecular consequence: missense variant.
Genome position (GRCh38, 1-based): chr5:179,207,634, G>A on the plus strand (C>T on the coding strand, the complement: ADAMTS2 is on the minus strand). VCF-style: chr5-179207634-G-A. GRCh37 (hg19) VCF-style: chr5-178634635-G-A.
Other names: c.770C>T, p.Ala257Val (NM_021599.4); c.770C>T (NM_014244.4); short protein forms A257V.
Identifiers: ClinVar variation 1416415 (VCV001416415.9), dbSNP rs370679548, ClinGen allele CA362428293.